The following is an entry in ClinVar:

NM_004863.4(SPTLC2):c.617C>G (p.Thr206Ser)

Gene: SPTLC2 (serine palmitoyltransferase long chain base subunit 2; minus strand). Cytogenetic location: 14q24.3.
Variant type: single nucleotide variant.
Coding change: c.617C>G on transcript NM_004863.4 (MANE Select); coding-DNA position 617, C replaced by G.
Protein change: p.Thr206Ser; replaces threonine 206 with serine.
Molecular consequence: missense variant.
Genome position (GRCh38, 1-based): chr14:77,576,781, G>C on the plus strand (C>G on the coding strand, the complement: SPTLC2 is on the minus strand). VCF-style: chr14-77576781-G-C. GRCh37 (hg19) VCF-style: chr14-78043124-G-C.
Other names: short protein forms T206S.
Identifiers: ClinVar variation 1905517 (VCV001905517.5), dbSNP rs2079718228, ClinGen allele CA390699223.
Genomic context (GRCh38, chr14:77,576,781, plus strand): 5'-AAACAATGTCAAAAACAGCAGCTGGCCAAATACAGCTTTCACTTACCAATTTCCTGCCGA[G>C]TACTGCACACTCCAGCTCCATACTCCTCAAGGACTTTGGCGGCTGCTTCTTGACATGATC-3'
Protein context (NP_004854.1, residues 196-216): LEEYGAGVCS[Thr206Ser]RQEIGNLDKH

ClinVar aggregate classification (germline): Uncertain significance (1 of 4 stars; one submission).

Conditions:
Neuropathy, hereditary sensory and autonomic, type 1C. Also called: HSAN IC; HSN IC. Identifiers: Orphanet 36386, MedGen C3150896, MONDO:0013337, OMIM 613640.

Allele frequency attached by ClinVar (database versions not stated): gnomAD exomes below 0.00001; TOPMed 0.00001.
gnomAD v4.1: 1 of 1,614,178 alleles (0.000062%); highest among the groups gnomAD compares: Admixed American, 0.0017%; no homozygotes.

Submission:

Labcorp Genetics (formerly Invitae), Labcorp
Classification: Uncertain significance for Neuropathy, hereditary sensory and autonomic, type 1C. Last evaluated: 2025-01-21. Review status: criteria provided, single submitter. Criteria: Invitae Variant Classification Sherloc (09022015). Collection method: clinical testing. Allele origin: germline.
Comment: This sequence change replaces threonine, which is neutral and polar, with serine, which is neutral and polar, at codon 206 of the SPTLC2 protein (p.Thr206Ser). This variant is not present in population databases (gnomAD no frequency). This variant has not been reported in the literature in individuals affected with SPTLC2-related conditions. ClinVar contains an entry for this variant (Variation ID: 1905517). Invitae Evidence Modeling of protein sequence and biophysical properties (such as structural, functional, and spatial information, amino acid conservation, physicochemical variation, residue mobility, and thermodynamic stability) indicates that this missense variant is not expected to disrupt SPTLC2 protein function with a negative predictive value of 95%. In summary, the available evidence is currently insufficient to determine the role of this variant in disease. Therefore, it has been classified as a Variant of Uncertain Significance.